The following is an entry in ClinVar:

ClinVar aggregate classification (germline): Uncertain significance (1 of 4 stars; one submission).

Conditions:
Charcot-Marie-Tooth disease type 4. Also called: Charcot-Marie-Tooth, Type 4; Charcot-Marie-Tooth disease, type IV. Identifiers: Orphanet 64749, MedGen C4082197, MONDO:0018995.

Submission:

Labcorp Genetics (formerly Invitae), Labcorp
Classification: Uncertain significance for Charcot-Marie-Tooth disease type 4. Last evaluated: 2020-12-27. Review status: criteria provided, single submitter. Criteria: Invitae Variant Classification Sherloc (09022015). Collection method: clinical testing. Allele origin: germline.
Comment: This variant has not been reported in the literature in individuals with PRX-related disease. In summary, the available evidence is currently insufficient to determine the role of this variant in disease. Therefore, it has been classified as a Variant of Uncertain Significance. Experimental studies and prediction algorithms are not available for this variant, and the functional significance of the deleted amino acids is currently unknown. This variant is not present in population databases (ExAC no frequency). This variant, c.478_492delTTTCCCAAGTTCTCC, results in the deletion of 5 amino acids of the PRX protein (p.Phe160_Ser164del), but otherwise preserves the integrity of the reading frame.

NM_181882.3(PRX):c.478_492del (p.Phe160_Ser164del)

Gene: PRX (periaxin; minus strand). Cytogenetic location: 19q13.2.
Variant type: Deletion.
Coding change: c.478_492del on transcript NM_181882.3 (MANE Select); coding-DNA positions 478 to 492, 15 bases deleted (TTTCCCAAGTTCTCC).
Protein change: p.Phe160_Ser164del.
Molecular consequence: inframe deletion. On other transcripts: 3 prime UTR variant (1).
Genome position (GRCh38, 1-based): chr19:40,397,860-40,397,874, GGAGAACTTGGGAAA deleted on the plus strand (TTTCCCAAGTTCTCC on the coding strand, the reverse complement: PRX is on the minus strand); deleting any 15 consecutive bases within chr19:40,397,860-40,397,882 gives the same sequence; the c. name uses the placement nearest the transcript's 3' end. VCF-style (leftmost placement, unchanged base first): chr19-40397859-GGGAGAACTTGGGAAA-G. GRCh37 (hg19) VCF-style: chr19-40903766-GGGAGAACTTGGGAAA-G.
Other names: c.478_492delTTTCCCAAGTTCTCC (NM_181882.2); c.*683_*697del (NM_020956.2).
Identifiers: ClinVar variation 543384 (VCV000543384.8), dbSNP rs1555801508, ClinGen allele CA658799229.
Genomic context (GRCh38, chr19:40,397,859, plus strand): 5'-GGGCAGGGGCAGCCGGGACAGGACCCTTGACAGCCTCGGCTTTGAGGCCCCGACGCAGGC[GGGAGAACTTGGGAAA>G]GGAGAACTCGACGTCAACAGGGGCCAGGTCAGCGGGGACCCCCAGAGCCCCAGGCACCAT-3'